The following is an entry in ClinVar:

ClinVar aggregate classification (germline): Likely benign. Review status: criteria provided, multiple submitters, no conflicts (2 of 4 stars). 3 submissions from 3 submitters: Likely benign (2). 1 of the submissions does not count toward it. Last evaluated 2026-01-22.

Conditions:
Hereditary sensory and autonomic neuropathy with spastic paraplegia (HSNSP). Identifiers: Orphanet 139578, MedGen C1850395, MONDO:0009748, OMIM 256840.
CCT5-related disorder. Also called: CCT5-related condition.

Allele frequency attached by ClinVar (database versions not stated): gnomAD 0.00003; gnomAD exomes 0.00004; ExAC 0.00005; TOPMed 0.00005; ESP Exome Variant Server 0.00023.

Submissions (3):

Labcorp Genetics (formerly Invitae), Labcorp
Classification: Likely benign for Hereditary sensory and autonomic neuropathy with spastic paraplegia. Last evaluated: 2026-01-22. Review status: criteria provided, single submitter. Criteria: Invitae Variant Classification Sherloc (09022015). Collection method: clinical testing. Allele origin: germline.

ARUP Laboratories, Molecular Genetics and Genomics, ARUP Laboratories
Classification: Likely benign for Hereditary sensory and autonomic neuropathy with spastic paraplegia. Last evaluated: 2024-10-03. Review status: criteria provided, single submitter. Criteria: ARUP Molecular Germline Variant Investigation Process 2024. Collection method: clinical testing. Allele origin: germline.

PreventionGenetics, part of Exact Sciences
Classification: Likely benign for CCT5-related condition. Last evaluated: 2019-07-09. Review status: no assertion criteria provided. Collection method: clinical testing. Allele origin: germline. Not counted in ClinVar's aggregate classification.
Comment: This variant is classified as likely benign based on ACMG/AMP sequence variant interpretation guidelines (Richards et al. 2015 PMID: 25741868, with internal and published modifications).

NM_012073.5(CCT5):c.106-6C>T

Gene: CCT5 (chaperonin containing TCP1 subunit 5; plus strand). Cytogenetic location: 5p15.2.
Variant type: single nucleotide variant.
Coding change: c.106-6C>T on transcript NM_012073.5 (MANE Select); 6 bases into the intron before coding-DNA position 106, C replaced by T.
Molecular consequence: intron variant.
Genome position (GRCh38, 1-based): chr5:10,254,139, C>T. VCF-style: chr5-10254139-C-T. GRCh37 (hg19) VCF-style: chr5-10254251-C-T.
Other names: c.43-6C>T (NM_001306153.1); c.106-6C>T (NM_001306154.2, NM_012073.4); c.-9-6C>T (NM_001306156.2, NM_001306155.2).
Identifiers: ClinVar variation 533945 (VCV000533945.11), dbSNP rs201641048, ClinGen allele CA3197982.